The following is an entry in ClinVar:

GRCh38/hg38 5q12.3(chr5:64764179-64944631)x1

Genes: SREK1IP1 (SREK1 interacting protein 1; minus strand), CWC27 (CWC27 spliceosome associated cyclophilin; plus strand), LOC129389292 (MPRA-validated peak5266 silencer; plus strand), LOC129993966 (ATAC-STARR-seq lymphoblastoid silent region 16053; plus strand), LOC123493324 (MED14-independent group 3 enhancer GRCh37_chr5:64063900-64065099; plus strand). Cytogenetic location: 5q12.3.
Variant type: copy number loss.
Change: copy number 1 (one copy instead of two) of chr5:64,764,179-64,944,631 (180.5 kb, GRCh38 coordinates, 1-based), cytogenetic band 5q12.3.
Identifiers: ClinVar variation 4796362 (VCV004796362.1).

ClinVar aggregate classification (germline): Uncertain significance (1 of 4 stars; one submission).

Submission:

Medical Genetic Center, Changzhi Maternal and Child Health Care Hospital
Classification: Uncertain significance. Last evaluated: 2025-12-10. Review status: criteria provided, single submitter. Criteria: ACMG/ClinGen CNV Guidelines, 2019. Collection method: clinical testing. Allele origin: unknown.